The following is an entry in ClinVar:

ClinVar aggregate classification (germline): Pathogenic. Review status: criteria provided, multiple submitters, no conflicts (2 of 4 stars). 13 submissions from 13 submitters: Pathogenic (11). 2 of the submissions do not count toward it. Last evaluated 2026-01-11.

Conditions:
Citrullinemia, type II, adult-onset (CDAA). Also called: CITRIN DEFICIENCY, ADOLESCENT OR ADULT ONSET. Identifiers: Orphanet 247585, MedGen CN295299, MONDO:0011326, OMIM 603471.
Neonatal intrahepatic cholestasis due to citrin deficiency (CDNI). Also called: Neonatal-onset citrullinemia type II; Neonatal-onset citrullinemia type 2; CITRIN DEFICIENCY, NEONATAL OR INFANTILE ONSET; Neonatal Intrahepatic Cholestasis Caused by Citrin Deficiency (NICCD). Identifiers: Orphanet 247598, MedGen C1853942, MONDO:0011601, OMIM 605814.
SLC25A13-related disorder. Also called: SLC25A13-related condition.
Citrullinemia. Identifiers: Orphanet 187, MedGen C0175683, MONDO:0015991.
Citrin deficiency. Identifiers: Orphanet 247582, MedGen C1997910, MONDO:0016602.
Citrullinemia type II. Also called: Citrullinemia Type II (CTLN2). Identifiers: Orphanet 247585, MedGen C1863844, MONDO:0016603.

Allele frequency attached by ClinVar (database versions not stated): 1000 Genomes Project 30x 0.00016; gnomAD 0.00003 and 0.00004; ExAC 0.00015; gnomAD exomes 0.00001 and 0.00011; TOPMed 0.00008; 1000 Genomes Project 0.00020.
gnomAD v4.1: 25 of 1,613,928 alleles (0.0015%); highest among the groups gnomAD compares: East Asian, 0.054%; no homozygotes.

Submissions (13):

Labcorp Genetics (formerly Invitae), Labcorp
Classification: Pathogenic for Citrin deficiency. Last evaluated: 2026-01-11. Review status: criteria provided, single submitter. Criteria: Invitae Variant Classification Sherloc (09022015). Collection method: clinical testing. Allele origin: germline.
Comment: This sequence change falls in intron 6 of the SLC25A13 gene. It does not directly change the encoded amino acid sequence of the SLC25A13 protein. RNA analysis indicates that this variant induces altered splicing and may result in an absent or altered protein product. This variant is present in population databases (rs80338717, gnomAD 0.1%). This variant has been observed in individual(s) with citrin deficiency (PMID: 19036621, 20301360, 21134364, 21507300, 24586645; internal data). In at least one individual the data is consistent with being in trans (on the opposite chromosome) from a pathogenic variant. This variant is also known as IVS6+5G>A. ClinVar contains an entry for this variant (Variation ID: 21517). Variants that disrupt the consensus splice site are a relatively common cause of aberrant splicing (PMID: 17576681, 9536098). Studies have shown that this variant results in retention of intron 6, and produces a non-functional protein and/or introduces a premature termination codon (PMID: 24586645). For these reasons, this variant has been classified as Pathogenic.

PreventionGenetics, part of Exact Sciences
Classification: Pathogenic for SLC25A13-related condition. Last evaluated: 2026-01-10. Review status: criteria provided, single submitter. Criteria: ACMG Guidelines, 2015. Collection method: clinical testing. Allele origin: germline.
Comment: The SLC25A13 c.615+5G>A variant is predicted to interfere with splicing. This variant, also referred to as IVS6+5G>A using legacy nomenclature, is a commonly reported SLC25A13 pathogenic variant in the Chinese population (e.g., Fu et al. 2011. PubMed ID: 20927635; Song et al. 2011. PubMed ID: 21424115). RT-PCR analysis of transcripts from a SLC25A13 allele harboring the c.615+5G>A variant revealed that the entirety of intron 6 was retained in the transcript, confirming a splicing defect (Zhang et al. 2014. PubMed ID: 24586645). This variant is reported in 0.15% of alleles in individuals of East Asian descent in gnomAD. This variant is interpreted as pathogenic.

Revvity Omics, Revvity
Classification: Pathogenic. Last evaluated: 2025-07-25. Review status: criteria provided, single submitter. Criteria: ACMG Guidelines, 2015. Collection method: clinical testing. Allele origin: germline.

Natera, Inc.
Classification: Pathogenic for Citrullinemia. Last evaluated: 2025-06-25. Review status: criteria provided, single submitter. Criteria: Natera Variant Classification Schema (03/2026). Collection method: clinical testing. Allele origin: germline.
Comment: The c.615+5G>A variant in SLC25A13 is an intronic variant located outside the canonical splice sites. This variant is rare in the general population with a frequency below the threshold expected for the associated phenotype(s). This variant has been observed in one or more individuals affected with the associated recessive disease, as either homozygous or compound heterozygous with a second variant (PMID: 21424115). Given the available evidence, this variant is classified as Pathogenic.

Baylor Genetics
Classification: Pathogenic for Citrullinemia, type II, adult-onset. Last evaluated: 2024-03-21. Review status: criteria provided, single submitter. Criteria: ACMG Guidelines, 2015. Collection method: clinical testing. Allele origin: unknown.

Fulgent Genetics
Classification: Pathogenic for Citrullinemia, type II, adult-onset; Neonatal intrahepatic cholestasis due to citrin deficiency. Last evaluated: 2024-03-11. Review status: criteria provided, single submitter. Criteria: ACMG Guidelines, 2015. Collection method: clinical testing. Allele origin: germline.

Genesolutions, Medical Genetics Institutes, Ho Chi Minh City, Vietnam
Classification: Pathogenic for Neonatal intrahepatic cholestasis due to citrin deficiency. Last evaluated: 2022-06-30. Review status: criteria provided, single submitter. Criteria: ACMG Guidelines, 2015. Collection method: clinical testing. Allele origin: germline. Affected: yes.

Women's Health and Genetics/Laboratory Corporation of America, LabCorp
Classification: Pathogenic for Citrullinemia type II. Last evaluated: 2022-05-09. Review status: criteria provided, single submitter. Criteria: LabCorp Variant Classification Summary - May 2015. Collection method: clinical testing. Allele origin: germline.
Comment: Variant summary: SLC25A13 c.615+5G>A alters a conserved nucleotide located close to a canonical splice site and therefore could affect mRNA splicing, leading to a significantly altered protein sequence. Several computational tools predict a significant impact on normal splicing: Four predict the variant abolishes a 5 splicing donor site. Experimental evidence supports these predictions demonstrating that this variant affects mRNA splicing (Zhang_2014). The variant allele was found at a frequency of 0.00011 in 251214 control chromosomes (gnomAD). c.615+5G>A has been reported in the literature in multiple individuals affected with citrin deficiency (e.g. Song_2011, Zhang_2014, Lin_2019). These data indicate that the variant is very likely to be associated with disease. Six ClinVar submitters (evaluation after 2014) cite the variant as pathogenic/likely pathogenic. Based on the evidence outlined above, the variant was classified as pathogenic.

Illumina Laboratory Services, Illumina
Classification: Pathogenic for Citrullinemia, type II, adult-onset. Last evaluated: 2018-10-04. Review status: criteria provided, single submitter. Criteria: ICSL Variant Classification Criteria 09 May 2019. Collection method: clinical testing. Allele origin: germline.
Comment: The SLC25A13 c.615+5G>A variant is one of the most commonly identified variants in probands of East Asian ethnicity with citrin deficiency. Across a subset of the literature, the c.615+5G>A variant (also reported as IVS6+5G>A) has been detected in a compound heterozygous state in at least 21 probands and in a heterozygous state with no second variant identified in at least 2 probands (Kobayashi et al. 2003; Saheki et al. 2003; Tabata et al. 2008; Dimmock et al. 2009; Lin et al. 2010; Song et al. 2011; Wen et al. 2011; Zhang et al. 2014). The c.615+5G>A variant was reported in 14 of 8500 control subjects and is reported at a frequency of 0.002087 in the East Asian population of the Exome Aggregation Consortium. Zhang et al. (2014) performed functional studies on the variant, confirming that splicing is disrupted which then leads to the inclusion of the intron and ultimately causes a premature truncation of the protein. Based on the collective evidence, the c.615+5G>A variant is classified as pathogenic for citrin deficiency. This variant was observed by ICSL as part of a predisposition screen in an ostensibly healthy population.

Eurofins Ntd Llc (ga)
Classification: Pathogenic. Last evaluated: 2018-05-31. Review status: criteria provided, single submitter. Criteria: EGL ClinVar v180209 classification definitions. Collection method: clinical testing. Allele origin: germline. Observed: 2 variant alleles, 2 heterozygotes.

Juno Genomics, Hangzhou Juno Genomics, Inc
Classification: Pathogenic for Citrullinemia, type II, adult-onset; Neonatal intrahepatic cholestasis due to citrin deficiency. Review status: criteria provided, single submitter. Criteria: ACMG Guidelines, 2015. Collection method: clinical testing. Allele origin: germline. Affected: yes.
Comment: For recessive disorders, detected in trans with a pathogenic variant.;Patient's phenotype or family history is highly specific for a disease with a single genetic etiology.

SingHealth Duke-NUS Institute of Precision Medicine
Classification: Pathogenic for Neonatal intrahepatic cholestasis due to citrin deficiency. Last evaluated: 2017-06-07. Review status: no assertion criteria provided. Collection method: curation. Allele origin: germline. Affected: no. Not counted in ClinVar's aggregate classification.

GeneReviews
No classification provided. Condition: Citrullinemia, type II, adult-onset. Review status: no classification provided. Collection method: literature only. Allele origin: germline. Not counted in ClinVar's aggregate classification.

Literature cited by the submitters: PubMed 19036621 (cited by Labcorp Genetics (formerly Invitae), Labcorp and Illumina Laboratory Services, Illumina); PubMed 20301360 (cited by Labcorp Genetics (formerly Invitae), Labcorp); PubMed 21134364 (cited by Labcorp Genetics (formerly Invitae), Labcorp and Illumina Laboratory Services, Illumina); PubMed 21507300 (cited by Labcorp Genetics (formerly Invitae), Labcorp and Illumina Laboratory Services, Illumina); PubMed 24586645 (cited by 4 submitters); PubMed 17576681 (cited by Labcorp Genetics (formerly Invitae), Labcorp); PubMed 9536098 (cited by Labcorp Genetics (formerly Invitae), Labcorp); PubMed 21424115 (cited by 3 submitters); PubMed 36599957 (cited by Genesolutions, Medical Genetics Institutes, Ho Chi Minh City, Vietnam); PubMed 30904546 (cited by Women's Health and Genetics/Laboratory Corporation of America, LabCorp); PubMed 15050970 (cited by Illumina Laboratory Services, Illumina and GeneReviews); PubMed 18392553 (cited by Illumina Laboratory Services, Illumina); PubMed 14680984 (cited by Illumina Laboratory Services, Illumina); PubMed 16059747 (cited by Eurofins Ntd Llc (ga)); NCBI Bookshelf NBK1181 (cited by GeneReviews).

NM_014251.3(SLC25A13):c.615+5G>A

Gene: SLC25A13 (solute carrier family 25 member 13; minus strand). Cytogenetic location: 7q21.3.
Variant type: single nucleotide variant.
Coding change: c.615+5G>A on transcript NM_014251.3 (MANE Select); 5 bases into the intron after coding-DNA position 615, G replaced by A.
Molecular consequence: intron variant.
Genome position (GRCh38, 1-based): chr7:96,193,032, C>T on the plus strand (G>A on the coding strand, the complement: SLC25A13 is on the minus strand). VCF-style: chr7-96193032-C-T. GRCh37 (hg19) VCF-style: chr7-95822344-C-T.
Other names: IVS6+5G>A; c.615+5G>A (NM_001160210.2).
Identifiers: ClinVar variation 21517 (VCV000021517.63), dbSNP rs80338717, ClinGen allele CA342162.